The following is an entry in ClinVar:

ClinVar aggregate classification (germline): Uncertain significance. Review status: criteria provided, multiple submitters, no conflicts (2 of 4 stars). 3 submissions from 3 submitters: Uncertain significance (3). Last evaluated 2026-01-05.

Conditions:
Inborn genetic diseases. Identifiers: MedGen C0950123, MeSH D030342.
Brachydactyly-arterial hypertension syndrome. Also called: BILGINTURAN SYNDROME. Identifiers: Orphanet 1276, MedGen C1862170, MONDO:0007211, OMIM 112410.

Allele frequency attached by ClinVar (database versions not stated): ExAC 0.00006; ESP Exome Variant Server 0.00008; gnomAD exomes 0.00011; TOPMed 0.00015; gnomAD 0.00017.

Submissions (3):

Labcorp Genetics (formerly Invitae), Labcorp
Classification: Uncertain significance. Last evaluated: 2026-01-05. Review status: criteria provided, single submitter. Criteria: Invitae Variant Classification Sherloc (09022015). Collection method: clinical testing. Allele origin: germline.
Comment: This sequence change replaces proline, which is neutral and non-polar, with leucine, which is neutral and non-polar, at codon 430 of the PDE3A protein (p.Pro430Leu). This variant is present in population databases (rs375216649, gnomAD 0.01%). This variant has not been reported in the literature in individuals affected with PDE3A-related conditions. ClinVar contains an entry for this variant (Variation ID: 2189856). An algorithm developed to predict the effect of missense changes on protein structure and function (PolyPhen-2) suggests that this variant is likely to be disruptive. In summary, the available evidence is currently insufficient to determine the role of this variant in disease. Therefore, it has been classified as a Variant of Uncertain Significance.

Ambry Genetics
Classification: Uncertain significance for Inborn genetic diseases. Last evaluated: 2023-02-15. Review status: criteria provided, single submitter. Criteria: Ambry Variant Classification Scheme 2023. Collection method: clinical testing. Allele origin: germline.

Department of Pathology and Laboratory Medicine, Sinai Health System
Classification: Uncertain significance for Brachydactyly-arterial hypertension syndrome. Last evaluated: 2022-09-27. Review status: criteria provided, single submitter. Criteria: ACMG Guidelines, 2015. Collection method: research. Allele origin: germline.

NM_000921.5(PDE3A):c.1289C>T (p.Pro430Leu)

Gene: PDE3A (phosphodiesterase 3A; plus strand). Cytogenetic location: 12p12.2.
Variant type: single nucleotide variant.
Coding change: c.1289C>T on transcript NM_000921.5 (MANE Select); coding-DNA position 1289, C replaced by T.
Protein change: p.Pro430Leu; replaces proline 430 with leucine.
Molecular consequence: missense variant.
Genome position (GRCh38, 1-based): chr12:20,616,249, C>T. VCF-style: chr12-20616249-C-T. GRCh37 (hg19) VCF-style: chr12-20769183-C-T.
Other names: c.323C>T, p.Pro108Leu (NM_001244683.2, NM_001378409.1); c.1289C>T, p.Pro430Leu (NM_001378407.1); c.326C>T, p.Pro109Leu (NM_001378408.1); c.1289C>T (NM_000921.4); short protein forms P108L, P109L, P430L.
Identifiers: ClinVar variation 2189856 (VCV002189856.7), dbSNP rs375216649, ClinGen allele CA6473706.